The following is an entry in ClinVar:

NC_000014.8:g.(?_55310735)_(55369403_?)del

Gene: GCH1 (GTP cyclohydrolase 1; minus strand). Cytogenetic location: 14q22.2.
Variant type: Deletion.
Identifiers: ClinVar variation 3243958 (VCV003243958.1).

ClinVar aggregate classification (germline): Pathogenic (1 of 4 stars; one submission).

Conditions:
GTP cyclohydrolase I deficiency. Identifiers: MedGen C0268467, MONDO:0100184.
Dystonia 5 (DRD). Also called: Dystonia, DOPA-responsive, with or without hyperphenylalaninemia; DYSTONIA, PROGRESSIVE, WITH DIURNAL VARIATION; DYSTONIA-PARKINSONISM WITH DIURNAL FLUCTUATION; GTP Cyclohydrolase 1-Deficient Dopa-Responsive Dystonia; DYT-GCH1. Identifiers: Orphanet 98808, MedGen C1851920, MONDO:0007495, OMIM 128230.

Submission:

Labcorp Genetics (formerly Invitae), Labcorp
Classification: Pathogenic for GTP cyclohydrolase I deficiency; Dystonia 5. Last evaluated: 2024-01-08. Review status: criteria provided, single submitter. Criteria: Invitae Variant Classification Sherloc (09022015). Collection method: clinical testing. Allele origin: unknown.
Comment: A gross deletion of the genomic region encompassing the full coding sequence of the GCH1 gene has been identified. Loss-of-function variants in GCH1 are known to be pathogenic (PMID: 9667588, 19332422, 19491146, 25557619). The boundaries of this event are unknown as they extend beyond the assayed region for this gene and therefore may encompass additional genes. A similar copy number variant has been observed in individual(s) with dopa-responsive dystonia (PMID: 17111153). For these reasons, this variant has been classified as Pathogenic.

Literature cited by the submitters: PubMed 9667588; PubMed 19332422; PubMed 19491146; PubMed 25557619; PubMed 17111153.